The following is an entry in ClinVar:

ClinVar aggregate classification (germline): Uncertain significance. Review status: criteria provided, multiple submitters, no conflicts (2 of 4 stars). 3 submissions from 3 submitters: Uncertain significance (3). Last evaluated 2026-03-06.

Conditions:
Hereditary cancer-predisposing syndrome. Also called: Tumor predisposition; Hereditary neoplastic syndrome; Hereditary Cancer Syndrome; Neoplastic Syndromes, Hereditary. Identifiers: Orphanet 140162, MedGen C0027672, MeSH D009386, MONDO:0015356.
Multiple endocrine neoplasia, type 1 (MEN1). Also called: MEA I; MEN I; WERMER SYNDROME; Endocrine adenomatosis multiple; MEN 1. Identifiers: Orphanet 652, MedGen C0025267, MeSH D018761, MONDO:0007540, OMIM 131100.

Allele frequency attached by ClinVar (database versions not stated): gnomAD exomes below 0.00001.
gnomAD v4.1: 5 of 1,614,172 alleles (0.00031%); highest among the groups gnomAD compares: African/African-American, 0.0027%; no homozygotes.

Submissions (3):

Ambry Genetics
Classification: Uncertain significance for Hereditary cancer-predisposing syndrome. Last evaluated: 2026-03-06. Review status: criteria provided, single submitter. Criteria: Ambry Variant Classification Scheme 2023. Collection method: clinical testing. Allele origin: germline.
Comment: The p.M234L variant (also known as c.700A>T), located in coding exon 3 of the MEN1 gene, results from an A to T substitution at nucleotide position 700. The methionine at codon 234 is replaced by leucine, an amino acid with highly similar properties. This amino acid position is highly conserved in available vertebrate species. In addition, this alteration is predicted to be deleterious by in silico analysis. Based on the available evidence, the clinical significance of this variant remains unclear.

Labcorp Genetics (formerly Invitae), Labcorp
Classification: Uncertain significance for Multiple endocrine neoplasia, type 1. Last evaluated: 2025-03-13. Review status: criteria provided, single submitter. Criteria: Invitae Variant Classification Sherloc (09022015). Collection method: clinical testing. Allele origin: germline.
Comment: This sequence change replaces methionine, which is neutral and non-polar, with leucine, which is neutral and non-polar, at codon 234 of the MEN1 protein (p.Met234Leu). This variant is present in population databases (no rsID available, gnomAD 0.0009%). This variant has not been reported in the literature in individuals affected with MEN1-related conditions. ClinVar contains an entry for this variant (Variation ID: 946791). Invitae Evidence Modeling of protein sequence and biophysical properties (such as structural, functional, and spatial information, amino acid conservation, physicochemical variation, residue mobility, and thermodynamic stability) indicates that this missense variant is expected to disrupt MEN1 protein function with a positive predictive value of 95%. In summary, the available evidence is currently insufficient to determine the role of this variant in disease. Therefore, it has been classified as a Variant of Uncertain Significance.

Baylor Genetics
Classification: Uncertain significance for Multiple Endocrine Neoplasia Type 1. Last evaluated: 2023-12-22. Review status: criteria provided, single submitter. Criteria: ACMG Guidelines, 2015. Collection method: clinical testing. Allele origin: unknown.

NM_001370259.2(MEN1):c.700A>T (p.Met234Leu)

Gene: MEN1 (menin 1; minus strand). Cytogenetic location: 11q13.1.
Variant type: single nucleotide variant.
Coding change: c.700A>T on transcript NM_001370259.2 (MANE Select); coding-DNA position 700, A replaced by T.
Protein change: p.Met234Leu; replaces methionine 234 with leucine.
Molecular consequence: missense variant.
Genome position (GRCh38, 1-based): chr11:64,807,635, T>A on the plus strand (A>T on the coding strand, the complement: MEN1 is on the minus strand). VCF-style: chr11-64807635-T-A. GRCh37 (hg19) VCF-style: chr11-64575107-T-A.
Other names: c.715A>T, p.Met239Leu (NM_000244.4, NM_130800.3, NM_130801.3 and 3 more transcripts); c.700A>T, p.Met234Leu (NM_001370251.2, NM_001370260.2, NM_001370261.2 and 1 more transcripts); c.595A>T, p.Met199Leu (NM_001370262.2, NM_001370263.2); short protein forms M199L, M239L, M234L.
Identifiers: ClinVar variation 946791 (VCV000946791.11), dbSNP rs1296948476, ClinGen allele CA381184601.